The following is an entry in ClinVar:

NM_012079.6(DGAT1):c.1045G>A (p.Val349Met)

Genes: DGAT1 (diacylglycerol O-acyltransferase 1; minus strand), LOC130001383 (ATAC-STARR-seq lymphoblastoid active region 28093; plus strand). Cytogenetic location: 8q24.3.
Variant type: single nucleotide variant.
Coding change: c.1045G>A on transcript NM_012079.6 (MANE Select); coding-DNA position 1045, G replaced by A.
Protein change: p.Val349Met; replaces valine 349 with methionine.
Molecular consequence: missense variant.
Genome position (GRCh38, 1-based): chr8:144,317,382, C>T on the plus strand (G>A on the coding strand, the complement: DGAT1 is on the minus strand). VCF-style: chr8-144317382-C-T. GRCh37 (hg19) VCF-style: chr8-145541045-C-T.
Other names: short protein forms V349M.
Identifiers: ClinVar variation 1915507 (VCV001915507.2), dbSNP rs372199680, ClinGen allele CA4936698.
Genomic context (GRCh38, chr8:144,317,382, plus strand): 5'-GGGACACTCACCACCAGTCCCGGTAGAACTCCCGGTCTCCAAACTGCATGAGCTCAGCCA[C>T]GGCATTCAGGCAGGAGTGGAAGAGCCAGTAGAAGAAGATGAGCCAGATGAGGTGATTGGG-3'
Protein context (NP_036211.2, residues 339-359): YWLFHSCLNA[Val349Met]AELMQFGDRE

ClinVar aggregate classification (germline): Uncertain significance (1 of 4 stars; one submission).

Allele frequency attached by ClinVar (database versions not stated): ExAC 0.00001; gnomAD 0.00001; TOPMed 0.00002; ESP Exome Variant Server 0.00008.

Submission:

Labcorp Genetics (formerly Invitae), Labcorp
Classification: Uncertain significance. Last evaluated: 2022-02-02. Review status: criteria provided, single submitter. Criteria: Invitae Variant Classification Sherloc (09022015). Collection method: clinical testing. Allele origin: germline.
Comment: This sequence change replaces valine, which is neutral and non-polar, with methionine, which is neutral and non-polar, at codon 349 of the DGAT1 protein (p.Val349Met). This variant is present in population databases (rs372199680, gnomAD 0.0009%). This variant has not been reported in the literature in individuals affected with DGAT1-related conditions. Algorithms developed to predict the effect of missense changes on protein structure and function (SIFT, PolyPhen-2, Align-GVGD) all suggest that this variant is likely to be tolerated. In summary, the available evidence is currently insufficient to determine the role of this variant in disease. Therefore, it has been classified as a Variant of Uncertain Significance.